The following is an entry in ClinVar:

ClinVar aggregate classification (germline): Likely pathogenic. Review status: criteria provided, single submitter (1 of 4 stars). 2 submissions from 1 submitter: Likely pathogenic (2). Last evaluated 2016-01-01.

Conditions:
Dilated cardiomyopathy 3B (CMD3B). Also called: CMD3B: DMD-Related Dilated Cardiomyopathy; CARDIOMYOPATHY, DILATED, X-LINKED; DMD-Associated Dilated Cardiomyopathy. Identifiers: Orphanet 154, MedGen C3668940, MONDO:0010542, OMIM 302045.
EMG: myopathic abnormalities. Identifiers: MedGen C4021726, HP:0003458.
Exercise-induced muscle stiffness. Identifiers: MedGen C1855579, HP:0008967.
Exercise-induced muscle fatigue. Identifiers: MedGen C1855580, HP:0009020.
Exercise-induced rhabdomyolysis. Identifiers: MedGen C4021526, HP:0009045.
Short stature. Identifiers: MedGen C0349588, HP:0004322.
Exercise-induced muscle cramps. Identifiers: MedGen C1855578, HP:0003710.
Exercise-induced myalgia. Identifiers: MedGen C1850830, HP:0003738.
Decreased body weight. Identifiers: MedGen C5574742, HP:0004325.
Myopathy. Identifiers: MedGen C0026848, MeSH D009135, MONDO:0005336, HP:0003198.

Submissions (2):

Centre for Mendelian Genomics, University Medical Centre Ljubljana
Classification: Likely pathogenic for Dilated cardiomyopathy 3B. Last evaluated: 2016-01-01. Review status: criteria provided, single submitter. Criteria: ACMG Guidelines, 2015. Collection method: clinical testing. Allele origin: unknown. Affected: yes.
Comment: This variant was classified as: Likely pathogenic.

Centre for Mendelian Genomics, University Medical Centre Ljubljana
Classification: Likely pathogenic for Decreased body weight; EMG: myopathic abnormalities; Exercise-induced muscle cramps; Exercise-induced muscle fatigue; Exercise-induced muscle stiffness; Exercise-induced myalgia; Exercise-induced rhabdomyolysis; Myopathy; Short stature. Last evaluated: 2015-12-04. Review status: criteria provided, single submitter. Criteria: ACMG Guidelines, 2015. Collection method: clinical testing. Allele origin: unknown. Affected: yes.

NM_004006.3(DMD):c.177del (p.Gln60fs)

Gene: DMD (dystrophin; minus strand). Cytogenetic location: Xp21.1.
Variant type: Deletion.
Coding change: c.177del on transcript NM_004006.3 (MANE Select); coding-DNA position 177, one base deleted (G; older notation c.177delG).
Protein change: p.Gln60fs; shifts the reading frame from glutamine 60.
Molecular consequence: frameshift variant. On other transcripts: 5 prime UTR variant (1).
Genome position (GRCh38, 1-based): chrX:32,849,737, C deleted on the plus strand (G on the coding strand, the reverse complement: DMD is on the minus strand); the first of 3 consecutive C bases (chrX:32,849,737-32,849,739); deleting any one gives the same sequence. VCF-style (leftmost placement, unchanged base first): chrX-32849736-GC-G. GRCh37 (hg19) VCF-style: chrX-32867853-GC-G.
Other names: c.177delG (NM_004006.2); c.153del, p.Gln52fs (NM_000109.4); c.165del, p.Gln56fs (NM_004009.3); c.-193del (NM_004010.3); short protein forms Q52fs, Q60fs, Q56fs.
Identifiers: ClinVar variation 374010 (VCV000374010.4), dbSNP rs1057518834, ClinGen allele CA16043591.